The following is an entry in ClinVar:

ClinVar aggregate classification (germline): Pathogenic (1 of 4 stars; one submission).

Submission:

Quest Diagnostics Nichols Institute San Juan Capistrano
Classification: Pathogenic. Last evaluated: 2023-05-26. Review status: criteria provided, single submitter. Criteria: ACMG/ClinGen CNV Guidelines, 2019. Collection method: clinical testing. Allele origin: unknown.
Comment: Deletions of chromosome 22q13.3, including SHANK3 (OMIM 606230), are associated with Phelan-McDermid syndrome (PHMDS; 22q13.3 deletion syndrome; OMIM 606232). The SHANK3 gene has been deleted in all reported cases with Phelan-McDermid syndrome (Phelan K, Rogers RC. Phelan-McDermid Syndrome. 2005 May 11 [GeneReviews [Internet]. available from an online resource.; Phelan K and McDermid HE. The 22q13.3 Deletion Syndrome (Phelan-McDermid Syndrome). Mol Syndromol. 2012;2(3-5):186-201).

GRCh37/hg19 22q13.31-13.33(chr22:48223839-51197725)x1

Genes: ACR (acrosin; plus strand), ADM2 (adrenomedullin 2; plus strand), ALG12 (ALG12 alpha-1,6-mannosyltransferase; minus strand), ARSA (arylsulfatase A; minus strand), BRD1 (bromodomain containing 1; minus strand) and 31 more. Cytogenetic location: 22q13.31-13.33.
Variant type: copy number loss.
Change: copy number 1 (one copy instead of two) of chr22:48,223,839-51,197,725 (2.97 Mb, GRCh37 coordinates, 1-based), cytogenetic band 22q13.31-13.33.
Identifiers: ClinVar variation 816569 (VCV000816569.2).